The following is an entry in ClinVar:

ClinVar aggregate classification (germline): Pathogenic (1 of 4 stars; one submission).

Conditions:
Mucopolysaccharidosis, MPS-III-A (MPS3A). Also called: HEPARAN SULFATE SULFATASE DEFICIENCY; SANFILIPPO SYNDROME A; SULFAMIDASE DEFICIENCY; MPS III A; MUCOPOLYSACCHARIDOSIS, TYPE IIIA, ATTENUATED; Mucopolysaccharidosis type IIIA (Sanfilippo A). Identifiers: Orphanet 581, Orphanet 79269, MedGen C0086647, MONDO:0009655, OMIM 252900.

Submission:

Myriad Genetics, Inc.
Classification: Pathogenic for Mucopolysaccharidosis, MPS-III-A. Last evaluated: 2023-09-27. Review status: criteria provided, single submitter. Criteria: Myriad Autosomal Dominant, Autosomal Recessive and X-Linked Classification Criteria (2023). Collection method: clinical testing. Allele origin: unknown.
Comment: NM_000199.3(SGSH):c.572dupG(T192Nfs*4) is expected to be pathogenic in the context of mucopolysaccharidosis type IIIA. This variant is predicted to lead to an abnormal or absent protein product due to the creation of a premature termination codon in SGSH, a gene where loss-of-function variants are known to be pathogenic. Please note: this variant was assessed in the context of healthy population screening.

NM_000199.5(SGSH):c.572dup (p.Thr192fs)

Gene: SGSH (N-sulfoglucosamine sulfohydrolase; minus strand). Cytogenetic location: 17q25.3.
Variant type: Duplication.
Coding change: c.572dup on transcript NM_000199.5 (MANE Select); coding-DNA position 572, one base duplicated (G; older notation c.572dupG).
Protein change: p.Thr192fs; shifts the reading frame from threonine 192.
Molecular consequence: frameshift variant. On other transcripts: non-coding transcript variant (1).
Genome position (GRCh38, 1-based): chr17:80,214,263, C duplicated on the plus strand (G on the coding strand, the reverse complement: SGSH is on the minus strand); the first of 2 consecutive C bases (chr17:80,214,263-80,214,264); duplicating either gives the same sequence. VCF-style (leftmost placement, unchanged base first): chr17-80214262-T-TC. GRCh37 (hg19) VCF-style: chr17-78188061-T-TC.
Other names: c.572dup, p.Thr192fs (NM_001352921.3, NM_001352922.2); short protein forms T192fs.
Identifiers: ClinVar variation 5012300 (VCV005012300.1).